The following is an entry in ClinVar:

ClinVar aggregate classification (germline): Uncertain significance (1 of 4 stars; one submission).

Conditions:
Epileptic encephalopathy. Identifiers: MedGen C0543888, HP:0200134.

gnomAD v4.1: 1 of 1,613,706 alleles (0.000062%); highest among the groups gnomAD compares: Non-Finnish European, 0.000085%; no homozygotes.

Submission:

Labcorp Genetics (formerly Invitae), Labcorp
Classification: Uncertain significance for Epileptic encephalopathy. Last evaluated: 2020-02-02. Review status: criteria provided, single submitter. Criteria: Invitae Variant Classification Sherloc (09022015). Collection method: clinical testing. Allele origin: germline.
Comment: In summary, the available evidence is currently insufficient to determine the role of this variant in disease. Therefore, it has been classified as a Variant of Uncertain Significance. Algorithms developed to predict the effect of missense changes on protein structure and function are either unavailable or do not agree on the potential impact of this missense change (SIFT: "Deleterious"; PolyPhen-2: "Possibly Damaging"; Align-GVGD: "Class C0"). This variant has not been reported in the literature in individuals with RYR3-related conditions. This variant is not present in population databases (ExAC no frequency). This sequence change replaces isoleucine with methionine at codon 447 of the RYR3 protein (p.Ile447Met). The isoleucine residue is highly conserved and there is a small physicochemical difference between isoleucine and methionine.

NM_001036.6(RYR3):c.1341C>G (p.Ile447Met)

Gene: RYR3 (ryanodine receptor 3; plus strand). Cytogenetic location: 15q14.
Variant type: single nucleotide variant.
Coding change: c.1341C>G on transcript NM_001036.6 (MANE Select); coding-DNA position 1341, C replaced by G.
Protein change: p.Ile447Met; replaces isoleucine 447 with methionine.
Molecular consequence: missense variant.
Genome position (GRCh38, 1-based): chr15:33,580,048, C>G. VCF-style: chr15-33580048-C-G. GRCh37 (hg19) VCF-style: chr15-33872249-C-G.
Other names: c.1341C>G, p.Ile447Met (NM_001243996.4); short protein forms I447M.
Identifiers: ClinVar variation 1038455 (VCV001038455.9), dbSNP rs370829333, ClinGen allele CA391568407.